The following is an entry in ClinVar:

Single allele

Genes: AKAP4 (A-kinase anchoring protein 4; minus strand), BMP15 (bone morphogenetic protein 15; plus strand), CCNB3 (cyclin B3; plus strand), CLCN5 (Cl-/H+ antiporter 5; plus strand), DGKK (diacylglycerol kinase kappa; minus strand) and 19 more. Cytogenetic location: Xp11.23-11.22.
Variant type: Deletion.
Identifiers: ClinVar variation 1676600 (VCV001676600.2).

ClinVar aggregate classification (germline): no classifications from unflagged records (0 of 4 stars; one submission).

Conditions:
Intellectual developmental disorder, X-linked, syndromic, Stocco dos Santos type. Also called: STOCCO DOS SANTOS X-LINKED MENTAL RETARDATION SYNDROME; Stocco dos Santos syndrome; X-linked intellectual disability, Stocco dos Santos type. Identifiers: Orphanet 85288, MedGen C1845530, MONDO:0010325, OMIM 300434.

Submission:

Odermatt lab, University of Bonn
Classification: Uncertain significance for Intellectual developmental disorder, X-linked, syndromic, Stocco dos Santos type. Last evaluated: 2022-04-11. Review status: flagged submission. Collection method: research, in vivo. Allele origin: maternal, not applicable. Inheritance: X-linked dominant inheritance. Affected: yes.
ClinVar note: Notes: This submission was flagged because its interpretation of this variant conflicts with the ClinGen Gene Dosage Map curation for the gene CLCN5.
ClinVar note: Reason: Conflict with ClinGen Gene Dosage Map

Literature cited by the submitters: PubMed 25670966.